The following is an entry in ClinVar:

ClinVar aggregate classification (germline): Uncertain significance (1 of 4 stars; one submission).

Submission:

Labcorp Genetics (formerly Invitae), Labcorp
Classification: Uncertain significance. Last evaluated: 2025-05-23. Review status: criteria provided, single submitter. Criteria: Invitae Variant Classification Sherloc (09022015). Collection method: clinical testing. Allele origin: germline.
Comment: This sequence change replaces methionine, which is neutral and non-polar, with threonine, which is neutral and polar, at codon 107 of the CTNNB1 protein (p.Met107Thr). This variant is not present in population databases (gnomAD no frequency). This variant has not been reported in the literature in individuals affected with CTNNB1-related conditions. Invitae Evidence Modeling of protein sequence and biophysical properties (such as structural, functional, and spatial information, amino acid conservation, physicochemical variation, residue mobility, and thermodynamic stability) indicates that this missense variant is not expected to disrupt CTNNB1 protein function with a negative predictive value of 80%. In summary, the available evidence is currently insufficient to determine the role of this variant in disease. Therefore, it has been classified as a Variant of Uncertain Significance.

NM_001904.4(CTNNB1):c.320T>C (p.Met107Thr)

Genes: CTNNB1 (catenin beta 1; plus strand), LOC126806658 (BRD4-independent group 4 enhancer GRCh37_chr3:41265899-41267098; plus strand). Cytogenetic location: 3p22.1.
Variant type: single nucleotide variant.
Coding change: c.320T>C on transcript NM_001904.4 (MANE Select); coding-DNA position 320, T replaced by C.
Protein change: p.Met107Thr; replaces methionine 107 with threonine.
Molecular consequence: missense variant.
Genome position (GRCh38, 1-based): chr3:41,225,032, T>C. VCF-style: chr3-41225032-T-C. GRCh37 (hg19) VCF-style: chr3-41266523-T-C.
Other names: c.320T>C, p.Met107Thr (NM_001098209.2, NM_001098210.2, NM_001438871.1 and 4 more transcripts); c.299T>C, p.Met100Thr (NM_001330729.2); short protein forms M107T, M100T.
Identifiers: ClinVar variation 4767177 (VCV004767177.1).